The following is an entry in ClinVar:

ClinVar aggregate classification (germline): Likely benign. Review status: criteria provided, multiple submitters, no conflicts (2 of 4 stars). 6 submissions from 6 submitters: Likely benign (6). Last evaluated 2026-01-18.

Conditions:
Charcot-Marie-Tooth disease type 4B3. Also called: CHARCOT-MARIE-TOOTH DISEASE, DEMYELINATING, TYPE 4B3; Charcot-Marie-Tooth Neuropathy Type 4B3. Identifiers: Orphanet 363981, MedGen C3695063, MONDO:0014117, OMIM 615284.

Allele frequency attached by ClinVar (database versions not stated): ESP Exome Variant Server 0.00008; TOPMed 0.00017; gnomAD 0.00023 and 0.00024.
gnomAD v4.1: 277 of 1,610,624 alleles (0.017%); highest among the groups gnomAD compares: Non-Finnish European, 0.023%; no homozygotes.

Submissions (6):

Labcorp Genetics (formerly Invitae), Labcorp
Classification: Likely benign. Last evaluated: 2026-01-18. Review status: criteria provided, single submitter. Criteria: Invitae Variant Classification Sherloc (09022015). Collection method: clinical testing. Allele origin: germline.

Mayo Clinic Laboratories, Mayo Clinic
Classification: Likely benign. Last evaluated: 2025-09-30. Review status: criteria provided, single submitter. Criteria: ACMG Guidelines, 2015. Collection method: clinical testing. Allele origin: germline. Observed: 3 variant alleles.
Comment: BP4, BP7

Women's Health and Genetics/Laboratory Corporation of America, LabCorp
Classification: Likely benign. Last evaluated: 2024-12-16. Review status: criteria provided, single submitter. Criteria: LabCorp Variant Classification Summary - May 2015. Collection method: clinical testing. Allele origin: germline.

ARUP Laboratories, Molecular Genetics and Genomics, ARUP Laboratories
Classification: Likely benign for Charcot-Marie-Tooth disease type 4B3. Last evaluated: 2024-03-14. Review status: criteria provided, single submitter. Criteria: ARUP Molecular Germline Variant Investigation Process 2024. Collection method: clinical testing. Allele origin: germline.

CeGaT Center for Human Genetics Tuebingen
Classification: Likely benign. Last evaluated: 2022-06-01. Review status: criteria provided, single submitter. Criteria: CeGaT Center For Human Genetics Tuebingen Variant Classification Criteria Version 2. Collection method: clinical testing. Allele origin: germline. Affected: yes. Observed: 1 variant allele.
Comment: SBF1: BP4, BP7

Breakthrough Genomics
Classification: Likely benign. Review status: criteria provided, single submitter. Criteria: ACMG Guidelines, 2015. Collection method: not provided. Allele origin: germline. Inheritance: Autosomal recessive inheritance. Affected: yes.

NM_002972.4(SBF1):c.2697C>A (p.Gly899=)

Gene: SBF1 (SET binding factor 1; minus strand). Cytogenetic location: 22q13.33.
Variant type: single nucleotide variant.
Coding change: c.2697C>A on transcript NM_002972.4 (MANE Select); coding-DNA position 2697, C replaced by A.
Protein change: p.Gly899=; no amino-acid change (glycine 899 retained).
Molecular consequence: synonymous variant.
Genome position (GRCh38, 1-based): chr22:50,461,665, G>T on the plus strand (C>A on the coding strand, the complement: SBF1 is on the minus strand). VCF-style: chr22-50461665-G-T. GRCh37 (hg19) VCF-style: chr22-50900094-G-T.
Other names: p.Gly899=; c.2700C>A, p.Gly900= (NM_001365819.1).
Identifiers: ClinVar variation 764118 (VCV000764118.43), dbSNP rs374888082, ClinGen allele CA10317087.